The following is an entry in ClinVar:

ClinVar aggregate classification (germline): Uncertain significance (1 of 4 stars; one submission).

Conditions:
Inflammatory skin and bowel disease, neonatal, 1. Identifiers: Orphanet 294023, MedGen C3280501, MONDO:0013693, OMIM 614328.

Submission:

Labcorp Genetics (formerly Invitae), Labcorp
Classification: Uncertain significance for Inflammatory skin and bowel disease, neonatal, 1. Last evaluated: 2020-10-22. Review status: criteria provided, single submitter. Criteria: Invitae Variant Classification Sherloc (09022015). Collection method: clinical testing. Allele origin: germline.
Comment: In summary, the available evidence is currently insufficient to determine the role of this variant in disease. Therefore, it has been classified as a Variant of Uncertain Significance. Algorithms developed to predict the effect of missense changes on protein structure and function are either unavailable or do not agree on the potential impact of this missense change (SIFT: "Not Available"; PolyPhen-2: "Benign"; Align-GVGD: "Not Available"). This variant has not been reported in the literature in individuals with ADAM17-related conditions. This variant is not present in population databases (ExAC no frequency). This sequence change replaces alanine with proline at codon 751 of the ADAM17 protein (p.Ala751Pro). The alanine residue is highly conserved and there is a small physicochemical difference between alanine and proline.

NM_003183.6(ADAM17):c.2251G>C (p.Ala751Pro)

Genes: ADAM17 (ADAM metallopeptidase domain 17; minus strand), IAH1 (isoamyl acetate hydrolyzing esterase 1 (putative); plus strand). Cytogenetic location: 2p25.1.
Variant type: single nucleotide variant.
Coding change: c.2251G>C on transcript NM_003183.6 (MANE Select); coding-DNA position 2251, G replaced by C.
Protein change: p.Ala751Pro; replaces alanine 751 with proline.
Molecular consequence: missense variant.
Genome position (GRCh38, 1-based): chr2:9,490,401, C>G on the plus strand (G>C on the coding strand, the complement: ADAM17 is on the minus strand). VCF-style: chr2-9490401-C-G. GRCh37 (hg19) VCF-style: chr2-9630530-C-G.
Other names: c.1591G>C, p.Ala531Pro (NM_001382777.1); c.1354G>C, p.Ala452Pro (NM_001382778.1); short protein forms A452P, A531P, A751P.
Identifiers: ClinVar variation 1000663 (VCV001000663.7), dbSNP rs772616091, ClinGen allele CA345794634.